The following is an entry in ClinVar:

NM_004519.4(KCNQ3):c.507C>T (p.Ala169=)

Gene: KCNQ3 (potassium voltage-gated channel subfamily Q member 3; minus strand). Cytogenetic location: 8q24.22.
Variant type: single nucleotide variant.
Coding change: c.507C>T on transcript NM_004519.4 (MANE Select); coding-DNA position 507, C replaced by T.
Protein change: p.Ala169=; no amino-acid change (alanine 169 retained).
Molecular consequence: synonymous variant.
Genome position (GRCh38, 1-based): chr8:132,184,338, G>A on the plus strand (C>T on the coding strand, the complement: KCNQ3 is on the minus strand). VCF-style: chr8-132184338-G-A. GRCh37 (hg19) VCF-style: chr8-133196585-G-A.
Other names: c.147C>T, p.Ala49= (NM_001204824.2).
Identifiers: ClinVar variation 506705 (VCV000506705.9), dbSNP rs1220196153, ClinGen allele CA463070660.

ClinVar aggregate classification (germline): Likely benign. Review status: criteria provided, multiple submitters, no conflicts (2 of 4 stars). 2 submissions from 2 submitters: Likely benign (2). Last evaluated 2023-10-16.

Conditions:
Benign neonatal seizures. Also called: Convulsions benign familial neonatal dominant form; Autosomal dominant form of benign neonatal seizures; Benign familial neonatal seizures; Benign neonatal familial convulsions; Benign familial neonatal epilepsy. Identifiers: Orphanet 1949, MedGen C0220669, MONDO:0016027.

Allele frequency attached by ClinVar (database versions not stated): TOPMed below 0.00001.
gnomAD v4.1: 6 of 1,614,054 alleles (0.00037%); highest among the groups gnomAD compares: South Asian, 0.0022%; no homozygotes.

Submissions (2):

Labcorp Genetics (formerly Invitae), Labcorp
Classification: Likely benign for Benign neonatal seizures. Last evaluated: 2023-10-16. Review status: criteria provided, single submitter. Criteria: Invitae Variant Classification Sherloc (09022015). Collection method: clinical testing. Allele origin: germline.

GeneDx
Classification: Likely benign. Last evaluated: 2017-02-13. Review status: criteria provided, single submitter. Criteria: GeneDx Variant Classification (06012015). Collection method: clinical testing. Allele origin: germline. Affected: yes.
Comment: This variant is considered likely benign or benign based on one or more of the following criteria: it is a conservative change, it occurs at a poorly conserved position in the protein, it is predicted to be benign by multiple in silico algorithms, and/or has population frequency not consistent with disease.